The following is an entry in ClinVar:

NM_001273.5(CHD4):c.23C>T (p.Pro8Leu)

Gene: CHD4 (chromodomain helicase DNA binding protein 4; minus strand). Cytogenetic location: 12p13.31.
Variant type: single nucleotide variant.
Coding change: c.23C>T on transcript NM_001273.5 (MANE Select); coding-DNA position 23, C replaced by T.
Protein change: p.Pro8Leu; replaces proline 8 with leucine.
Molecular consequence: missense variant.
Genome position (GRCh38, 1-based): chr12:6,606,351, G>A on the plus strand (C>T on the coding strand, the complement: CHD4 is on the minus strand). VCF-style: chr12-6606351-G-A. GRCh37 (hg19) VCF-style: chr12-6715517-G-A.
Other names: c.23C>T, p.Pro8Leu (NM_001297553.2, NM_001363606.2); short protein forms P8L.
Identifiers: ClinVar variation 3781140 (VCV003781140.1).
Genomic context (GRCh38, chr12:6,606,351, plus strand): 5'-AGGCTGTTGTTCAAAAGTGCATCCATATCCTCCTCCTCACTGCCCGCCGAGCAGGGGGAC[G>A]GGGAGCCCAGGCCCGACGCCATCCCCTTCCGCTCCCGGCCAGGGAATTGGCCCAGCTGCT-3'
Protein context (NP_001264.2, residues 1-18): MASGLGS[Pro8Leu]SPCSAGSEEE

ClinVar aggregate classification (germline): Uncertain significance (1 of 4 stars; one submission).

gnomAD v4.1: 32 of 1,571,178 alleles (0.002%); highest among the groups gnomAD compares: East Asian, 0.015%; no homozygotes.

Submission:

GeneDx
Classification: Uncertain significance. Last evaluated: 2024-10-15. Review status: criteria provided, single submitter. Criteria: GeneDx Variant Classification Process June 2021. Collection method: clinical testing. Allele origin: germline. Affected: yes.
Comment: In silico analysis supports that this missense variant has a deleterious effect on protein structure/function; Has not been previously published as pathogenic or benign to our knowledge